The following is an entry in ClinVar:

NM_006031.6(PCNT):c.9155A>G (p.Asn3052Ser)

Gene: PCNT (pericentrin; plus strand). Cytogenetic location: 21q22.3.
Variant type: single nucleotide variant.
Coding change: c.9155A>G on transcript NM_006031.6 (MANE Select); coding-DNA position 9155, A replaced by G.
Protein change: p.Asn3052Ser; replaces asparagine 3052 with serine.
Molecular consequence: missense variant.
Genome position (GRCh38, 1-based): chr21:46,438,219, A>G. VCF-style: chr21-46438219-A-G. GRCh37 (hg19) VCF-style: chr21-47858132-A-G.
Other names: c.8564A>G, p.Asn2855Ser (NM_001315529.2); short protein forms N3052S, N2855S.
Identifiers: ClinVar variation 436234 (VCV000436234.14), dbSNP rs779546932, ClinGen allele CA10081225.

ClinVar aggregate classification (germline): Uncertain significance. Review status: criteria provided, multiple submitters, no conflicts (2 of 4 stars). 4 submissions from 4 submitters: Uncertain significance (4). Last evaluated 2025-09-16.

Conditions:
PCNT-related disorder. Also called: PCNT-related condition.

Allele frequency attached by ClinVar (database versions not stated): ExAC 0.00002; gnomAD exomes 0.00002 and 0.00004; gnomAD 0.00009; TOPMed 0.00012.
gnomAD v4.1: 52 of 1,614,002 alleles (0.0032%); highest among the groups gnomAD compares: East Asian, 0.018%; no homozygotes.

Submissions (4):

PreventionGenetics, part of Exact Sciences
Classification: Uncertain significance for PCNT-related condition. Last evaluated: 2025-09-16. Review status: criteria provided, single submitter. Criteria: ACMG Guidelines, 2015. Collection method: clinical testing. Allele origin: germline.
Comment: The PCNT c.9155A>G variant is predicted to result in the amino acid substitution p.Asn3052Ser. To our knowledge, this variant has not been reported in the literature. This variant is reported in 0.030% of alleles in individuals of East Asian descent in gnomAD. At this time, the clinical significance of this variant is uncertain due to the absence of conclusive functional and genetic evidence.

Labcorp Genetics (formerly Invitae), Labcorp
Classification: Uncertain significance. Last evaluated: 2024-10-07. Review status: criteria provided, single submitter. Criteria: Invitae Variant Classification Sherloc (09022015). Collection method: clinical testing. Allele origin: germline.
Comment: This sequence change replaces asparagine, which is neutral and polar, with serine, which is neutral and polar, at codon 3052 of the PCNT protein (p.Asn3052Ser). This variant is present in population databases (rs779546932, gnomAD 0.03%). This variant has not been reported in the literature in individuals affected with PCNT-related conditions. ClinVar contains an entry for this variant (Variation ID: 436234). An algorithm developed to predict the effect of missense changes on protein structure and function (PolyPhen-2) suggests that this variant is likely to be disruptive. In summary, the available evidence is currently insufficient to determine the role of this variant in disease. Therefore, it has been classified as a Variant of Uncertain Significance.

GeneDx
Classification: Uncertain significance. Last evaluated: 2023-10-23. Review status: criteria provided, single submitter. Criteria: GeneDx Variant Classification Process June 2021. Collection method: clinical testing. Allele origin: germline. Affected: yes.
Comment: In silico analysis supports that this missense variant has a deleterious effect on protein structure/function; Missense variant in a gene in which most reported pathogenic variants are truncating/loss of function; Has not been previously published as pathogenic or benign to our knowledge

Genetic Services Laboratory, University of Chicago
Classification: Uncertain significance. Last evaluated: 2016-07-07. Review status: criteria provided, single submitter. Criteria: ACMG Guidelines, 2015. Collection method: clinical testing. Allele origin: germline. Affected: no.